The following is an entry in ClinVar:

NM_002485.5(NBN):c.952A>G (p.Thr318Ala)

Gene: NBN (nibrin; minus strand). Cytogenetic location: 8q21.3.
Variant type: single nucleotide variant.
Coding change: c.952A>G on transcript NM_002485.5 (MANE Select); coding-DNA position 952, A replaced by G.
Protein change: p.Thr318Ala; replaces threonine 318 with alanine.
Molecular consequence: missense variant.
Genome position (GRCh38, 1-based): chr8:89,964,452, T>C on the plus strand (A>G on the coding strand, the complement: NBN is on the minus strand). VCF-style: chr8-89964452-T-C. GRCh37 (hg19) VCF-style: chr8-90976680-T-C.
Other names: c.706A>G, p.Thr236Ala (NM_001024688.3); short protein forms T236A, T318A.
Identifiers: ClinVar variation 3298630 (VCV003298630.1).

ClinVar aggregate classification (germline): Uncertain significance (1 of 4 stars; one submission).

Conditions:
Hereditary cancer-predisposing syndrome. Also called: Tumor predisposition; Hereditary Cancer Syndrome; Hereditary neoplastic syndrome; Neoplastic Syndromes, Hereditary. Identifiers: Orphanet 140162, MedGen C0027672, MeSH D009386, MONDO:0015356.

gnomAD v4.1: 1 of 1,613,602 alleles (0.000062%); highest among the groups gnomAD compares: South Asian, 0.0011%; no homozygotes.

Submission:

Ambry Genetics
Classification: Uncertain significance for Hereditary cancer-predisposing syndrome. Last evaluated: 2024-04-27. Review status: criteria provided, single submitter. Criteria: Ambry Variant Classification Scheme 2023. Collection method: clinical testing. Allele origin: germline.
Comment: The p.T318A variant (also known as c.952A>G), located in coding exon 8 of the NBN gene, results from an A to G substitution at nucleotide position 952. The threonine at codon 318 is replaced by alanine, an amino acid with similar properties. This amino acid position is conserved. In addition, this alteration is predicted to be tolerated by in silico analysis. Based on the available evidence, the clinical significance of this variant remains unclear.